The following is an entry in ClinVar:

NM_004444.5(EPHB4):c.128_134dup (p.Ser46fs)

Gene: EPHB4 (EPH receptor B4; minus strand). Cytogenetic location: 7q22.1.
Variant type: Duplication.
Coding change: c.128_134dup on transcript NM_004444.5 (MANE Select); coding-DNA positions 128 to 134, 7 bases duplicated (AGGAACT; older notation c.128_134dupAGGAACT).
Protein change: p.Ser46fs; shifts the reading frame from serine 46.
Molecular consequence: frameshift variant.
Genome position (GRCh38, 1-based): chr7:100,823,921-100,823,927, AGTTCCT duplicated on the plus strand (AGGAACT on the coding strand, the reverse complement: EPHB4 is on the minus strand). VCF-style (leftmost placement, unchanged base first): chr7-100823920-C-CAGTTCCT. GRCh37 (hg19) VCF-style: chr7-100421542-C-CAGTTCCT.
Other names: short protein forms S46fs.
Identifiers: ClinVar variation 2754832 (VCV002754832.3), dbSNP rs2485050114, ClinGen allele CA2697557473.

ClinVar aggregate classification (germline): Pathogenic (1 of 4 stars; one submission).

Submission:

Labcorp Genetics (formerly Invitae), Labcorp
Classification: Pathogenic. Last evaluated: 2023-08-24. Review status: criteria provided, single submitter. Criteria: Invitae Variant Classification Sherloc (09022015). Collection method: clinical testing. Allele origin: germline.
Comment: For these reasons, this variant has been classified as Pathogenic. This variant has not been reported in the literature in individuals affected with EPHB4-related conditions. This variant is not present in population databases (gnomAD no frequency). This sequence change creates a premature translational stop signal (p.Ser46Glyfs*7) in the EPHB4 gene. It is expected to result in an absent or disrupted protein product. Loss-of-function variants in EPHB4 are known to be pathogenic (PMID: 28687708).

Literature cited by the submitters: PubMed 28687708.